The following is an entry in ClinVar:

ClinVar aggregate classification (germline): Uncertain significance. Review status: criteria provided, multiple submitters, no conflicts (2 of 4 stars). 2 submissions from 2 submitters: Uncertain significance (2). Last evaluated 2025-04-30.

Allele frequency attached by ClinVar (database versions not stated): ExAC 0.00001; gnomAD 0.00001; gnomAD exomes 0.00001; TOPMed 0.00002.
gnomAD v4.1: 7 of 1,613,660 alleles (0.00043%); highest among the groups gnomAD compares: Admixed American, 0.012%; no homozygotes.

Submissions (2):

Labcorp Genetics (formerly Invitae), Labcorp
Classification: Uncertain significance. Last evaluated: 2025-04-30. Review status: criteria provided, single submitter. Criteria: Invitae Variant Classification Sherloc (09022015). Collection method: clinical testing. Allele origin: germline.
Comment: This sequence change replaces glutamic acid, which is acidic and polar, with lysine, which is basic and polar, at codon 5290 of the HMCN1 protein (p.Glu5290Lys). This variant is present in population databases (rs756587376, gnomAD 0.01%). This variant has not been reported in the literature in individuals affected with HMCN1-related conditions. ClinVar contains an entry for this variant (Variation ID: 2046263). An algorithm developed to predict the effect of missense changes on protein structure and function (PolyPhen-2) suggests that this variant is likely to be disruptive. In summary, the available evidence is currently insufficient to determine the role of this variant in disease. Therefore, it has been classified as a Variant of Uncertain Significance.

Ambry Genetics
Classification: Uncertain significance. Last evaluated: 2024-08-20. Review status: criteria provided, single submitter. Criteria: Ambry Variant Classification Scheme 2023. Collection method: clinical testing. Allele origin: germline.

NM_031935.3(HMCN1):c.15868G>A (p.Glu5290Lys)

Gene: HMCN1 (hemicentin 1; plus strand). Cytogenetic location: 1q31.1.
Variant type: single nucleotide variant.
Coding change: c.15868G>A on transcript NM_031935.3 (MANE Select); coding-DNA position 15868, G replaced by A.
Protein change: p.Glu5290Lys; replaces glutamic acid 5290 with lysine.
Molecular consequence: missense variant.
Genome position (GRCh38, 1-based): chr1:186,174,567, G>A. VCF-style: chr1-186174567-G-A. GRCh37 (hg19) VCF-style: chr1-186143699-G-A.
Other names: c.15868G>A (NM_031935.2); short protein forms E5290K.
Identifiers: ClinVar variation 2046263 (VCV002046263.5), dbSNP rs756587376, ClinGen allele CA1295410.